The following is an entry in ClinVar:

NM_000435.3(NOTCH3):c.1952-13G>C

Gene: NOTCH3 (notch receptor 3; minus strand). Cytogenetic location: 19p13.12.
Variant type: single nucleotide variant.
Coding change: c.1952-13G>C on transcript NM_000435.3 (MANE Select); 13 bases into the intron before coding-DNA position 1952, G replaced by C.
Molecular consequence: intron variant.
Genome position (GRCh38, 1-based): chr19:15,185,692, C>G on the plus strand (G>C on the coding strand, the complement: NOTCH3 is on the minus strand). VCF-style: chr19-15185692-C-G. GRCh37 (hg19) VCF-style: chr19-15296503-C-G.
Identifiers: ClinVar variation 3768751 (VCV003768751.1).

ClinVar aggregate classification (germline): Likely benign (1 of 4 stars; one submission).

Submission:

Women's Health and Genetics/Laboratory Corporation of America, LabCorp
Classification: Likely benign. Last evaluated: 2025-02-05. Review status: criteria provided, single submitter. Criteria: LabCorp Variant Classification Summary - May 2015. Collection method: clinical testing. Allele origin: germline.
Comment: Variant summary: NOTCH3 c.1952-13G>C alters a non-conserved nucleotide located at a position not widely known to affect splicing. Consensus agreement among computation tools predict no significant impact on normal splicing. However, these predictions have yet to be confirmed by functional studies. The variant was absent in 249298 control chromosomes (gnomAD). The available data on variant occurrences in the general population are insufficient to allow any conclusion about variant significance. To our knowledge, no occurrence of c.1952-13G>C in individuals affected with Cerebral arteriopathy, autosomal dominant, with subcortical infarcts and leukoencephalopathy, type 1 and no experimental evidence demonstrating its impact on protein function have been reported. No submitters have cited clinical-significance assessments for this variant to ClinVar. Based on the evidence outlined above, the variant was classified as likely benign.